The following is an entry in ClinVar:

NM_015978.3(TNNI3K):c.1442G>A (p.Arg481Gln)

Genes: FPGT-TNNI3K (FPGT-TNNI3K readthrough; plus strand), TNNI3K (TNNI3 interacting kinase; plus strand). Cytogenetic location: 1p31.1.
Variant type: single nucleotide variant.
Coding change: c.1442G>A on transcript NM_015978.3 (MANE Select); coding-DNA position 1442, G replaced by A.
Protein change: p.Arg481Gln; replaces arginine 481 with glutamine.
Molecular consequence: missense variant.
Genome position (GRCh38, 1-based): chr1:74,369,234, G>A. VCF-style: chr1-74369234-G-A. GRCh37 (hg19) VCF-style: chr1-74834918-G-A.
Other names: c.1745G>A, p.Arg582Gln (NM_001112808.3, NM_001199327.2); c.1442G>A (NM_015978.2); short protein forms R481Q, R582Q.
Identifiers: ClinVar variation 1435201 (VCV001435201.8), dbSNP rs200277259, ClinGen allele CA909288.
Genomic context (GRCh38, chr1:74,369,234, plus strand): 5'-ATGTGTTTATTTATTTATTTTAAACAATTGTAGGTTCTTTTGGGAAAGTATATAAAGGAC[G>A]ATGCAGAAATAAAATAGTGGCTATAAAACGGTAAGCAAGCAAATGAAAAAATTTAACATC-3'
Protein context (NP_057062.1, residues 471-491): SGSFGKVYKG[Arg481Gln]CRNKIVAIKR

ClinVar aggregate classification (germline): Uncertain significance. Review status: criteria provided, multiple submitters, no conflicts (2 of 4 stars). 3 submissions from 3 submitters: Uncertain significance (3). Last evaluated 2026-01-04.

Conditions:
Inborn genetic diseases. Identifiers: MedGen C0950123, MeSH D030342.
Cardiovascular phenotype. Identifiers: MedGen CN230736.

Allele frequency attached by ClinVar (database versions not stated): ExAC 0.00002; TOPMed 0.00003.
gnomAD v4.1: 46 of 1,611,784 alleles (0.0029%); highest among the groups gnomAD compares: Non-Finnish European, 0.0036%; no homozygotes.

Submissions (3):

Labcorp Genetics (formerly Invitae), Labcorp
Classification: Uncertain significance. Last evaluated: 2026-01-04. Review status: criteria provided, single submitter. Criteria: Invitae Variant Classification Sherloc (09022015). Collection method: clinical testing. Allele origin: germline.
Comment: This sequence change replaces arginine, which is basic and polar, with glutamine, which is neutral and polar, at codon 481 of the TNNI3K protein (p.Arg481Gln). This variant is present in population databases (rs200277259, gnomAD 0.007%). This variant has not been reported in the literature in individuals affected with TNNI3K-related conditions. ClinVar contains an entry for this variant (Variation ID: 1435201). Invitae Evidence Modeling of protein sequence and biophysical properties (such as structural, functional, and spatial information, amino acid conservation, physicochemical variation, residue mobility, and thermodynamic stability) indicates that this missense variant is not expected to disrupt TNNI3K protein function with a negative predictive value of 80%. Algorithms developed to predict the effect of sequence changes on RNA splicing suggest that this variant may disrupt the consensus splice site. In summary, the available evidence is currently insufficient to determine the role of this variant in disease. Therefore, it has been classified as a Variant of Uncertain Significance.

Molecular Diagnostic Laboratory for Inherited Cardiovascular Disease, Montreal Heart Institute
Classification: Uncertain significance for Cardiovascular phenotype. Last evaluated: 2025-07-24. Review status: criteria provided, single submitter. Criteria: ACMG Guidelines, 2015. Collection method: clinical testing. Allele origin: germline. Affected: yes.
Comment: PM1, BP4

Ambry Genetics
Classification: Uncertain significance for Inborn genetic diseases. Last evaluated: 2025-01-21. Review status: criteria provided, single submitter. Criteria: Ambry Variant Classification Scheme 2023. Collection method: clinical testing. Allele origin: germline.